The following is an entry in ClinVar:

ClinVar aggregate classification (germline): Likely benign. Review status: reviewed by expert panel (3 of 4 stars). 6 submissions from 6 submitters: Likely benign (1). 5 of the submissions do not count toward it. Last evaluated 2026-01-23.

Conditions:
Autosomal recessive limb-girdle muscular dystrophy type 2B (LGMDR2). Also called: MUSCULAR DYSTROPHY, LIMB-GIRDLE, AUTOSOMAL RECESSIVE 2; Limb-girdle muscular dystrophy, type 2B; Limb-Girdle Muscular Dystrophy Type 2B (LGMD2B); MUSCULAR DYSTROPHY, LIMB-GIRDLE, TYPE 3. Identifiers: Orphanet 268, MedGen C1850889, MONDO:0009676, OMIM 253601.
Miyoshi myopathy. Also called: Miyoshi muscular dystrophy; Miyoshi Muscular Dystrophy (Miyoshi Myopathy). Identifiers: Orphanet 45448, MedGen C5553104, MONDO:0009685.
Neuromuscular disease caused by qualitative or quantitative defects of dysferlin. Also called: Dysferlinopathy; Qualitative or quantitative defects of dysferlin. Identifiers: Orphanet 207073, MedGen C2931687, MONDO:0016145.
Distal myopathy with anterior tibial onset. Identifiers: Orphanet 178400, MedGen C1847532, MONDO:0011721, OMIM 606768.
Autosomal recessive limb-girdle muscular dystrophy. Identifiers: Orphanet 102015, MedGen C2931907, MONDO:0015152.

Allele frequency attached by ClinVar (database versions not stated): gnomAD 0.00052 and 0.00059; gnomAD exomes 0.00004 and 0.00008; ESP Exome Variant Server 0.00054; ExAC 0.00012; TOPMed 0.00058.
gnomAD v4.1: 150 of 1,613,614 alleles (0.0093%); highest among the groups gnomAD compares: African/African-American, 0.16%; 1 homozygote.

Submissions (6):

ClinGen Limb Girdle Muscular Dystrophy Variant Curation Expert Panel, ClinGen
Classification: Likely benign for Autosomal recessive limb-girdle muscular dystrophy. Last evaluated: 2026-01-23. Review status: reviewed by expert panel. Criteria: ClinGen LGMD VCEP ACMG Specifications DYSF V2.0.0. Collection method: curation. Allele origin: germline. Inheritance: Autosomal recessive inheritance.
Comment: The NM_003494.4: c.2348C>T variant in DYSF, which is also known as NM_001130987.2: c.2402C>T p.(Ala801Val), is a missense variant predicted to cause substitution of alanine to valine at amino acid 801, p.(Ala801Val). This variant has been observed in at least three individuals with suspected LGMD in a heterozygous state, but none of them would be scoreable for PM3 application (PMID: 30564623, Jain Foundation Dysferlin Registry internal data communication; PM3_supporting not met). The filtering allele frequency of this variant is 0.001406 (the lower threshold of the 95% CI of 123/74924 African/African American chromosomes) in gnomAD v4.1.0, which is greater than the LGMD VCEP BS1 threshold (>0.001) (BS1 met). The computational predictor REVEL gives a score of 0.28 (PP3 and BP4 not met). In summary, this variant is classified as likely benign for autosomal recessive limb girdle muscular dystrophy based on the ACMG/AMP criteria applied, as specified by the ClinGen LGMD VCEP (specifications v2.0.0; 01/23/2026): BS1.

Labcorp Genetics (formerly Invitae), Labcorp
Classification: Likely benign for Neuromuscular disease caused by qualitative or quantitative defects of dysferlin. Last evaluated: 2026-01-12. Review status: criteria provided, single submitter. Criteria: Invitae Variant Classification Sherloc (09022015). Collection method: clinical testing. Allele origin: germline. Not counted in ClinVar's aggregate classification.

GeneDx
Classification: Uncertain significance. Last evaluated: 2025-04-16. Review status: criteria provided, single submitter. Criteria: GeneDx Variant Classification Process June 2021. Collection method: clinical testing. Allele origin: germline. Affected: yes. Not counted in ClinVar's aggregate classification.
Comment: Reported as a variant of uncertain significance in a patient with limb-girdle muscular dystrophy who also harbored the P233L variant in the DYSF gene, although the phase of these variants was unknown and additional clinical information was not provided (PMID: 30564623); In silico analysis supports that this missense variant has a deleterious effect on protein structure/function; This variant is associated with the following publications: (PMID: 30564623)

Mayo Clinic Laboratories, Mayo Clinic
Classification: Uncertain significance. Last evaluated: 2024-08-12. Review status: criteria provided, single submitter. Criteria: ACMG Guidelines, 2015. Collection method: clinical testing. Allele origin: germline. Observed: 1 variant allele. Not counted in ClinVar's aggregate classification.

Revvity Omics, Revvity
Classification: Uncertain significance. Last evaluated: 2023-08-31. Review status: criteria provided, single submitter. Criteria: ACMG Guidelines, 2015. Collection method: clinical testing. Allele origin: germline. Not counted in ClinVar's aggregate classification.

Eurofins Ntd Llc (ga)
Classification: Uncertain significance. Last evaluated: 2018-07-05. Review status: criteria provided, single submitter. Criteria: EGL ClinVar v180209 classification definitions. Collection method: clinical testing. Allele origin: germline. Observed: 3 variant alleles, 3 heterozygotes. Not counted in ClinVar's aggregate classification.

Literature cited by the submitters: PubMed 30564623 (cited by Mayo Clinic Laboratories, Mayo Clinic).

NM_001130987.2(DYSF):c.2402C>T (p.Ala801Val)

Gene: DYSF (dysferlin; plus strand). Cytogenetic location: 2p13.2.
Variant type: single nucleotide variant.
Coding change: c.2402C>T on transcript NM_001130987.2 (MANE Select); coding-DNA position 2402, C replaced by T.
Protein change: p.Ala801Val; replaces alanine 801 with valine.
Molecular consequence: missense variant.
Genome position (GRCh38, 1-based): chr2:71,561,937, C>T. VCF-style: chr2-71561937-C-T. GRCh37 (hg19) VCF-style: chr2-71789067-C-T.
Other names: p.Ala783Val; NM_001130987.2(DYSF):c.2402C>T; p.Ala801Val; c.2351C>T, p.Ala784Val (NM_001130455.2, NM_001130983.2); c.2306C>T, p.Ala769Val (NM_001130976.2, NM_001130977.2); c.2348C>T, p.Ala783Val (NM_001130978.2, NM_003494.4); c.2441C>T, p.Ala814Val (NM_001130979.2); c.2399C>T, p.Ala800Val (NM_001130980.2, NM_001130981.2); and 3 more; short protein forms A783V, A801V, A800V, A815V, A770V, A784V, A769V, A814V.
Identifiers: ClinVar variation 288008 (VCV000288008.24), dbSNP rs147139414, ClinGen allele CA1706139.